The following is an entry in ClinVar:

NM_003072.5(SMARCA4):c.4728GGA[4] (p.Glu1580_Gly1581insGlu)

Gene: SMARCA4 (SWI/SNF related BAF chromatin remodeling complex subunit ATPase 4; plus strand). Cytogenetic location: 19p13.2.
Variant type: Microsatellite.
Coding change: c.4728GGA[4] on transcript NM_003072.5 (MANE Select); four copies in a row of the 3-base unit GGA starting at c.4728; the reference has three copies in a row; one copy, 3 bases duplicated.
Protein change: p.Glu1580_Gly1581insGlu.
Molecular consequence: non-coding transcript variant (on NR_164683.1).
Genome position (GRCh38, 1-based): chr19:11,059,851-11,059,853, GGA duplicated; duplicating any 3 consecutive bases within chr19:11,059,843-11,059,853 gives the same sequence; the position shown is the placement nearest the transcript's 3' end. VCF-style (leftmost placement, unchanged base first): chr19-11059842-T-TGAG. GRCh37 (hg19) VCF-style: chr19-11170518-T-TGAG.
Other names: c.4728GGA[4], p.Glu1580_Gly1581insGlu (NM_001128844.3); c.4638GGA[4], p.Glu1550_Gly1551insGlu (NM_001128845.2); c.4635GGA[4], p.Glu1549_Gly1550insGlu (NM_001128846.2); c.4629GGA[4], p.Glu1547_Gly1548insGlu (NM_001128847.4, NM_001374457.1); c.4626GGA[4], p.Glu1546_Gly1547insGlu (NM_001128848.2); c.4824GGA[4], p.Glu1612_Gly1613insGlu (NM_001128849.3, NM_001387283.1); c.4725GGA[4], p.Glu1579_Gly1580insGlu (NM_001411150.1).
Identifiers: ClinVar variation 3445988 (VCV003445988.1).

ClinVar aggregate classification (germline): Uncertain significance (1 of 4 stars; one submission).

Conditions:
Hereditary cancer-predisposing syndrome. Also called: Tumor predisposition; Neoplastic Syndromes, Hereditary; Hereditary neoplastic syndrome; Hereditary Cancer Syndrome. Identifiers: Orphanet 140162, MedGen C0027672, MeSH D009386, MONDO:0015356.

Submission:

Ambry Genetics
Classification: Uncertain significance for Hereditary cancer-predisposing syndrome. Last evaluated: 2024-09-05. Review status: criteria provided, single submitter. Criteria: Ambry Variant Classification Scheme 2023. Collection method: clinical testing. Allele origin: germline.
Comment: The c.4830_4832dupGGA variant (also known as p.E1612dup), located in coding exon 33 of the SMARCA4 gene, results from an in-frame duplication of GGA at nucleotide positions 4830 to 4832. This results in the duplication of an extra residue between codons 1612 and 1613. This amino acid position is well conserved in available vertebrate species. In addition, this alteration is predicted to be neutral by in silico analysis (Choi Y et al. PLoS ONE. 2012; 7(10):e46688). Based on the available evidence, the clinical significance of this variant remains unclear.